The following is an entry in ClinVar:

NM_000179.3(MSH6):c.2887G>T (p.Gly963Cys)

Gene: MSH6 (mutS homolog 6; plus strand). Cytogenetic location: 2p16.3.
Variant type: single nucleotide variant.
Coding change: c.2887G>T on transcript NM_000179.3 (MANE Select); coding-DNA position 2887, G replaced by T.
Protein change: p.Gly963Cys; replaces glycine 963 with cysteine.
Molecular consequence: missense variant. On other transcripts: non-coding transcript variant (5), intron variant (2).
Genome position (GRCh38, 1-based): chr2:47,800,870, G>T. VCF-style: chr2-47800870-G-T. GRCh37 (hg19) VCF-style: chr2-48028009-G-T.
Other names: c.2497G>T, p.Gly833Cys (NM_001281492.2); c.1981G>T, p.Gly661Cys (NM_001281493.2, NM_001281494.2, NM_001406811.1 and 6 more transcripts); c.2983G>T, p.Gly995Cys (NM_001406795.1, NM_001406802.1); c.2887G>T, p.Gly963Cys (NM_001406796.1, NM_001406798.1, NM_001406800.1 and 2 more transcripts); c.2590G>T, p.Gly864Cys (NM_001406797.1, NM_001406801.1, NM_001406805.1 and 10 more transcripts); c.2362G>T, p.Gly788Cys (NM_001406799.1, NM_001406806.1, NM_001406807.1); c.2809G>T, p.Gly937Cys (NM_001406804.1); c.2893G>T, p.Gly965Cys (NM_001406813.1); and 4 more; short protein forms G833C, G963C, G965C, G864C, G995C, G278C, G788C, G907C.
Identifiers: ClinVar variation 2453152 (VCV002453152.7), dbSNP rs2104428845, ClinGen allele CA346756051.
Genomic context (GRCh38, chr2:47,800,870, plus strand): 5'-GACATAAGAGAAAATGAACAGAGCCTCCTGGAATACCTAGAGAAACAGCGCAACAGAATT[G>T]GCTGTAGGACCATAGTCTATTGGGGGATTGGTAGGAACCGTTACCAGCTGGAAATTCCTG-3'
Protein context (NP_000170.1, residues 953-973): EYLEKQRNRI[Gly963Cys]CRTIVYWGIG

ClinVar aggregate classification (germline): Uncertain significance. Review status: criteria provided, multiple submitters, no conflicts (2 of 4 stars). 3 submissions from 3 submitters: Uncertain significance (3). Last evaluated 2024-11-11.

Conditions:
Hereditary cancer-predisposing syndrome. Also called: Neoplastic Syndromes, Hereditary; Tumor predisposition; Hereditary neoplastic syndrome; Hereditary Cancer Syndrome. Identifiers: Orphanet 140162, MedGen C0027672, MeSH D009386, MONDO:0015356.
Hereditary nonpolyposis colorectal neoplasms. Identifiers: MedGen C0009405, MeSH D003123.
Lynch syndrome. Identifiers: Orphanet 144, MedGen C4552100, MONDO:0005835. Disease mechanism: loss of function.

gnomAD v4.1: 1 of 1,613,692 alleles (0.000062%); no homozygotes.

Submissions (3):

Ambry Genetics
Classification: Uncertain significance for Hereditary cancer-predisposing syndrome. Last evaluated: 2024-11-11. Review status: criteria provided, single submitter. Criteria: Ambry Variant Classification Scheme 2023. Collection method: clinical testing. Allele origin: germline.
Comment: The p.G963C variant (also known as c.2887G>T), located in coding exon 4 of the MSH6 gene, results from a G to T substitution at nucleotide position 2887. The glycine at codon 963 is replaced by cysteine, an amino acid with highly dissimilar properties. This amino acid position is highly conserved in available vertebrate species. In addition, this alteration is predicted to be deleterious by in silico analysis. Based on the available evidence, the clinical significance of this variant remains unclear.

All of Us Research Program, National Institutes of Health
Classification: Uncertain significance for Lynch syndrome. Last evaluated: 2024-07-29. Review status: criteria provided, single submitter. Criteria: ACMG Guidelines, 2015. Collection method: clinical testing. Allele origin: germline. Inheritance: Autosomal dominant inheritance. Observed: 1 variant allele, 1 heterozygote.
Comment: This missense variant replaces glycine with cysteine at codon 963 of the MSH6 protein. Computational prediction suggests that this variant may have deleterious impact on protein structure and function (internally defined REVEL score threshold >= 0.7, PMID: 27666373). To our knowledge, functional studies have not been reported for this variant. This variant has not been reported in individuals affected with MSH6-related disorders in the literature. This variant has not been identified in the general population by the Genome Aggregation Database (gnomAD). The available evidence is insufficient to determine the role of this variant in disease conclusively. Therefore, this variant is classified as a Variant of Uncertain Significance.

This study involves interpretation of variants in research participants for the purpose of population health screening. Participant phenotype was not available at the time of variant classification. Additional details can be found in publication PMID: 35346344, PMCID: PMC8962531

Labcorp Genetics (formerly Invitae), Labcorp
Classification: Uncertain significance for Hereditary nonpolyposis colorectal neoplasms. Last evaluated: 2023-12-07. Review status: criteria provided, single submitter. Criteria: Invitae Variant Classification Sherloc (09022015). Collection method: clinical testing. Allele origin: germline.
Comment: This sequence change replaces glycine, which is neutral and non-polar, with cysteine, which is neutral and slightly polar, at codon 963 of the MSH6 protein (p.Gly963Cys). This variant is not present in population databases (gnomAD no frequency). This variant has not been reported in the literature in individuals affected with MSH6-related conditions. ClinVar contains an entry for this variant (Variation ID: 2453152). Advanced modeling of protein sequence and biophysical properties (such as structural, functional, and spatial information, amino acid conservation, physicochemical variation, residue mobility, and thermodynamic stability) has been performed at Invitae for this missense variant, however the output from this modeling did not meet the statistical confidence thresholds required to predict the impact of this variant on MSH6 protein function. In summary, the available evidence is currently insufficient to determine the role of this variant in disease. Therefore, it has been classified as a Variant of Uncertain Significance.